The following is an entry in ClinVar:

ClinVar aggregate classification (germline): Uncertain significance (1 of 4 stars; one submission).

Submission:

GeneDx
Classification: Uncertain significance. Last evaluated: 2024-04-29. Review status: criteria provided, single submitter. Criteria: GeneDx Variant Classification Process June 2021. Collection method: clinical testing. Allele origin: germline. Affected: yes.
Comment: Not observed at significant frequency in large population cohorts (gnomAD); In silico analysis supports a deleterious effect on protein structure/function; Has not been previously published as pathogenic or benign to our knowledge; This variant is associated with the following publications: (PMID: 21520338, 31554319, 9590290)

NM_005422.4(TECTA):c.4432_4433delinsTT (p.Gly1478Phe)

Genes: TBCEL-TECTA (TBCEL-TECTA readthrough; plus strand), TECTA (tectorin alpha; plus strand). Cytogenetic location: 11q23.3.
Variant type: Indel.
Coding change: c.4432_4433delinsTT on transcript NM_005422.4 (MANE Select); coding-DNA positions 4432 to 4433, GG replaced by TT.
Protein change: p.Gly1478Phe; replaces glycine 1478 with phenylalanine.
Molecular consequence: missense variant.
Genome position (GRCh38, 1-based): chr11:121,157,967-121,157,968, GG replaced by TT. VCF-style: chr11-121157967-GG-TT. GRCh37 (hg19) VCF-style: chr11-121028676-GG-TT.
Other names: c.5389_5390delinsTT, p.Gly1797Phe (NM_001378761.1); short protein forms G1478F, G1797F.
Identifiers: ClinVar variation 3373118 (VCV003373118.1).